The following is an entry in ClinVar:

ClinVar aggregate classification (germline): Uncertain significance (1 of 4 stars; one submission).

Conditions:
Bethlem myopathy 1A. Also called: Bethlem myopathy 1; Bethlem Muscular Dystrophy; MYOPATHY, BENIGN CONGENITAL, WITH CONTRACTURES. Identifiers: Orphanet 610, MedGen CN029274, MONDO:0024530, OMIM 158810.

gnomAD v4.1: 6 of 1,612,662 alleles (0.00037%); highest among the groups gnomAD compares: South Asian, 0.0011%; no homozygotes.

Submission:

Labcorp Genetics (formerly Invitae), Labcorp
Classification: Uncertain significance for Bethlem myopathy 1A. Last evaluated: 2025-05-04. Review status: criteria provided, single submitter. Criteria: Invitae Variant Classification Sherloc (09022015). Collection method: clinical testing. Allele origin: germline.
Comment: This sequence change falls in intron 11 of the COL6A2 gene. It does not directly change the encoded amino acid sequence of the COL6A2 protein. It affects a nucleotide within the consensus splice site. This variant is not present in population databases (gnomAD no frequency). This variant has not been reported in the literature in individuals affected with COL6A2-related conditions. Variants that disrupt the consensus splice site are a relatively common cause of aberrant splicing (PMID: 17576681, 9536098). Algorithms developed to predict the effect of sequence changes on RNA splicing suggest that this variant is not likely to affect RNA splicing. In summary, the available evidence is currently insufficient to determine the role of this variant in disease. Therefore, it has been classified as a Variant of Uncertain Significance.

Literature cited by the submitters: PubMed 17576681; PubMed 9536098.

NM_001849.4(COL6A2):c.1053+5G>T

Gene: COL6A2 (collagen type VI alpha 2 chain; plus strand). Cytogenetic location: 21q22.3.
Variant type: single nucleotide variant.
Coding change: c.1053+5G>T on transcript NM_001849.4 (MANE Select); 5 bases into the intron after coding-DNA position 1053, G replaced by T.
Molecular consequence: intron variant.
Genome position (GRCh38, 1-based): chr21:46,117,458, G>T. VCF-style: chr21-46117458-G-T. GRCh37 (hg19) VCF-style: chr21-47537372-G-T.
Other names: c.1053+5G>T (NM_058175.3, NM_058174.3).
Identifiers: ClinVar variation 4780545 (VCV004780545.1).